The following is an entry in ClinVar:

ClinVar aggregate classification (germline): Pathogenic (1 of 4 stars; one submission).

Conditions:
Primary ciliary dyskinesia. Also called: Ciliary dyskinesia. Identifiers: Orphanet 244, MedGen C0008780, MONDO:0016575, HP:0012265.

gnomAD v4.1: 3 of 1,601,772 alleles (0.00019%); highest among the groups gnomAD compares: South Asian, 0.0034%; no homozygotes.

Submission:

Labcorp Genetics (formerly Invitae), Labcorp
Classification: Pathogenic for Primary ciliary dyskinesia. Last evaluated: 2023-03-04. Review status: criteria provided, single submitter. Criteria: Invitae Variant Classification Sherloc (09022015). Collection method: clinical testing. Allele origin: germline.
Comment: This variant has not been reported in the literature in individuals affected with CCDC39-related conditions. This variant is not present in population databases (gnomAD no frequency). This sequence change creates a premature translational stop signal (p.Glu462*) in the CCDC39 gene. It is expected to result in an absent or disrupted protein product. Loss-of-function variants in CCDC39 are known to be pathogenic (PMID: 21131972, 23255504). For these reasons, this variant has been classified as Pathogenic.

Literature cited by the submitters: PubMed 21131972; PubMed 23255504.

NM_181426.2(CCDC39):c.1384G>T (p.Glu462Ter)

Gene: CCDC39 (coiled-coil domain 39 molecular ruler complex subunit; minus strand). Cytogenetic location: 3q26.33.
Variant type: single nucleotide variant.
Coding change: c.1384G>T on transcript NM_181426.2 (MANE Select); coding-DNA position 1384, G replaced by T.
Protein change: p.Glu462Ter; replaces glutamic acid 462 with a stop codon.
Molecular consequence: nonsense.
Genome position (GRCh38, 1-based): chr3:180,647,222, C>A on the plus strand (G>T on the coding strand, the complement: CCDC39 is on the minus strand). VCF-style: chr3-180647222-C-A. GRCh37 (hg19) VCF-style: chr3-180365010-C-A.
Other names: short protein forms E462*.
Identifiers: ClinVar variation 2842796 (VCV002842796.3), dbSNP rs2473808878, ClinGen allele CA355310351.